The following is an entry in ClinVar:

NM_001042492.3(NF1):c.6682C>T (p.Gln2228Ter)

Gene: NF1 (neurofibromin 1; plus strand). Cytogenetic location: 17q11.2.
Variant type: single nucleotide variant.
Coding change: c.6682C>T on transcript NM_001042492.3 (MANE Select); coding-DNA position 6682, C replaced by T.
Protein change: p.Gln2228Ter; replaces glutamine 2228 with a stop codon.
Molecular consequence: nonsense.
Genome position (GRCh38, 1-based): chr17:31,337,858, C>T. VCF-style: chr17-31337858-C-T. GRCh37 (hg19) VCF-style: chr17-29664876-C-T.
Other names: c.6619C>T, p.Gln2207Ter (NM_000267.4); short protein forms Q2207*, Q2228*.
Identifiers: ClinVar variation 996507 (VCV000996507.11), dbSNP rs2069718249, ClinGen allele CA399013872.

ClinVar aggregate classification (germline): Pathogenic. Review status: criteria provided, multiple submitters, no conflicts (2 of 4 stars). 6 submissions from 6 submitters: Pathogenic (6). Last evaluated 2025-08-19.

Conditions:
Hereditary cancer-predisposing syndrome. Also called: Neoplastic Syndromes, Hereditary; Hereditary neoplastic syndrome; Hereditary Cancer Syndrome; Tumor predisposition. Identifiers: Orphanet 140162, MedGen C0027672, MeSH D009386, MONDO:0015356.
Cardiovascular phenotype. Identifiers: MedGen CN230736.
Neurofibromatosis, type 1 (NF1). Also called: Neurofibromatosis, type I; VON RECKLINGHAUSEN DISEASE; NEUROFIBROMATOSIS, TYPE I, SOMATIC; Peripheral type neurofibromatosis. Identifiers: Orphanet 636, MedGen C0027831, MONDO:0018975, OMIM 162200. Disease mechanism: loss of function.

Submissions (6):

Labcorp Genetics (formerly Invitae), Labcorp
Classification: Pathogenic for Neurofibromatosis, type 1. Last evaluated: 2025-08-19. Review status: criteria provided, single submitter. Criteria: Invitae Variant Classification Sherloc (09022015). Collection method: clinical testing. Allele origin: germline.
Comment: This sequence change creates a premature translational stop signal (p.Gln2207*) in the NF1 gene. It is expected to result in an absent or disrupted protein product. Loss-of-function variants in NF1 are known to be pathogenic (PMID: 10712197, 23913538). This variant is not present in population databases (gnomAD no frequency). This premature translational stop signal has been observed in individual(s) with clinical features of neurofibromatosis type 1 (PMID: 23913538). ClinVar contains an entry for this variant (Variation ID: 996507). For these reasons, this variant has been classified as Pathogenic.

Ambry Genetics
Classification: Pathogenic for Cardiovascular phenotype; Hereditary cancer-predisposing syndrome. Last evaluated: 2024-03-07. Review status: criteria provided, single submitter. Criteria: Ambry Variant Classification Scheme 2023. Collection method: clinical testing. Allele origin: germline.
Comment: The p.Q2207* pathogenic mutation (also known as c.6619C>T), located in coding exon 43 of the NF1 gene, results from a C to T substitution at nucleotide position 6619. This changes the amino acid from a glutamine to a stop codon within coding exon 43. This variant is considered to be rare based on population cohorts in the Genome Aggregation Database (gnomAD). In addition to the clinical data presented in the literature, this alteration is expected to result in loss of function by premature protein truncation or nonsense-mediated mRNA decay. As such, this alteration is interpreted as a disease-causing mutation.

GeneDx
Classification: Pathogenic. Last evaluated: 2022-11-14. Review status: criteria provided, single submitter. Criteria: GeneDx Variant Classification Process June 2021. Collection method: clinical testing. Allele origin: germline. Affected: yes.
Comment: Nonsense variant predicted to result in protein truncation or nonsense mediated decay in a gene for which loss of function is a known mechanism of disease; Not observed at significant frequency in large population cohorts (gnomAD); Published functional studies demonstrate impaired NF1 expression (Anastasaki et al., 2015); This variant is associated with the following publications: (PMID: 33108355, 35589737, 25788518, 23913538)

Mendelics
Classification: Pathogenic for Neurofibromatosis, type 1. Last evaluated: 2022-05-04. Review status: criteria provided, single submitter. Criteria: Mendelics Assertion Criteria 2019. Collection method: clinical testing. Allele origin: germline.

Genome-Nilou Lab
Classification: Pathogenic for Neurofibromatosis, type 1. Last evaluated: 2022-03-15. Review status: criteria provided, single submitter. Criteria: ACMG Guidelines, 2015. Collection method: clinical testing. Allele origin: germline. Affected: no.

Genome Diagnostics Laboratory, The Hospital for Sick Children
Classification: Pathogenic for Neurofibromatosis, type 1. Last evaluated: 2020-10-26. Review status: criteria provided, single submitter. Criteria: ACMG Guidelines, 2015. Collection method: clinical testing. Allele origin: germline. Affected: yes.

Literature cited by the submitters: PubMed 10712197 (cited by Labcorp Genetics (formerly Invitae), Labcorp); PubMed 23913538 (cited by Labcorp Genetics (formerly Invitae), Labcorp).